The following is an entry in ClinVar:

ClinVar aggregate classification (germline): Uncertain significance (1 of 4 stars; one submission).

Submission:

GeneDx
Classification: Uncertain significance. Last evaluated: 2022-08-10. Review status: criteria provided, single submitter. Criteria: GeneDx Variant Classification Process June 2021. Collection method: clinical testing. Allele origin: germline. Affected: yes.
Comment: Not observed at significant frequency in large population cohorts (gnomAD); In silico analysis supports that this missense variant has a deleterious effect on protein structure/function; Has not been previously published as pathogenic or benign to our knowledge

NM_025233.7(COASY):c.845T>C (p.Leu282Pro)

Gene: COASY (Coenzyme A synthase; plus strand). Cytogenetic location: 17q21.2.
Variant type: single nucleotide variant.
Coding change: c.845T>C on transcript NM_025233.7 (MANE Select); coding-DNA position 845, T replaced by C.
Protein change: p.Leu282Pro; replaces leucine 282 with proline.
Molecular consequence: missense variant.
Genome position (GRCh38, 1-based): chr17:42,564,105, T>C. VCF-style: chr17-42564105-T-C. GRCh37 (hg19) VCF-style: chr17-40716123-T-C.
Other names: c.845T>C, p.Leu282Pro (NM_001042529.3); c.932T>C, p.Leu311Pro (NM_001042532.4); short protein forms L282P, L311P.
Identifiers: ClinVar variation 2429615 (VCV002429615.1), dbSNP rs2510680631, ClinGen allele CA399595642.